The following is an entry in ClinVar:

NM_002878.4(RAD51D):c.775A>T (p.Arg259Trp)

Genes: RAD51D (RAD51 paralog D; minus strand), RAD51L3-RFFL (RAD51L3-RFFL readthrough; minus strand). Cytogenetic location: 17q12.
Variant type: single nucleotide variant.
Coding change: c.775A>T on transcript NM_002878.4 (MANE Select); coding-DNA position 775, A replaced by T.
Protein change: p.Arg259Trp; replaces arginine 259 with tryptophan.
Molecular consequence: missense variant. On other transcripts: non-coding transcript variant (3).
Genome position (GRCh38, 1-based): chr17:35,101,329, T>A on the plus strand (A>T on the coding strand, the complement: RAD51D is on the minus strand). VCF-style: chr17-35101329-T-A. GRCh37 (hg19) VCF-style: chr17-33428348-T-A.
Other names: c.835A>T, p.Arg279Trp (NM_001142571.2); c.439A>T, p.Arg147Trp (NM_133629.3); short protein forms R147W, R259W, R279W.
Identifiers: ClinVar variation 1760481 (VCV001760481.7), dbSNP rs2142412187, ClinGen allele CA399086894.

ClinVar aggregate classification (germline): Uncertain significance. Review status: criteria provided, multiple submitters, no conflicts (2 of 4 stars). 2 submissions from 2 submitters: Uncertain significance (2). Last evaluated 2025-06-22.

Conditions:
Hereditary cancer-predisposing syndrome. Also called: Neoplastic Syndromes, Hereditary; Tumor predisposition; Hereditary Cancer Syndrome; Hereditary neoplastic syndrome. Identifiers: Orphanet 140162, MedGen C0027672, MeSH D009386, MONDO:0015356.
Breast-ovarian cancer, familial, susceptibility to, 4. Identifiers: Orphanet 145, MedGen C3280345, MONDO:0013669, OMIM 614291.

Submissions (2):

Ambry Genetics
Classification: Uncertain significance for Hereditary cancer-predisposing syndrome. Last evaluated: 2025-06-22. Review status: criteria provided, single submitter. Criteria: Ambry Variant Classification Scheme 2023. Collection method: clinical testing. Allele origin: germline.
Comment: The p.R259W variant (also known as c.775A>T), located in coding exon 9 of the RAD51D gene, results from an A to T substitution at nucleotide position 775. The arginine at codon 259 is replaced by tryptophan, an amino acid with dissimilar properties. This amino acid position is poorly conserved in available vertebrate species. In addition, this alteration is predicted to be tolerated by in silico analysis. Since supporting evidence is limited at this time, the clinical significance of this alteration remains unclear.

Labcorp Genetics (formerly Invitae), Labcorp
Classification: Uncertain significance for Breast-ovarian cancer, familial, susceptibility to, 4. Last evaluated: 2023-06-24. Review status: criteria provided, single submitter. Criteria: Invitae Variant Classification Sherloc (09022015). Collection method: clinical testing. Allele origin: germline.
Comment: In summary, the available evidence is currently insufficient to determine the role of this variant in disease. Therefore, it has been classified as a Variant of Uncertain Significance. Advanced modeling of protein sequence and biophysical properties (such as structural, functional, and spatial information, amino acid conservation, physicochemical variation, residue mobility, and thermodynamic stability) performed at Invitae indicates that this missense variant is not expected to disrupt RAD51D protein function. ClinVar contains an entry for this variant (Variation ID: 1760481). This variant has not been reported in the literature in individuals affected with RAD51D-related conditions. This variant is not present in population databases (gnomAD no frequency). This sequence change replaces arginine, which is basic and polar, with tryptophan, which is neutral and slightly polar, at codon 259 of the RAD51D protein (p.Arg259Trp).